The following is an entry in ClinVar:

ClinVar aggregate classification (germline): Likely benign (0 of 4 stars; one submission).

Conditions:
CLPTM1-related disorder. Also called: CLPTM1-related condition.

Allele frequency attached by ClinVar (database versions not stated): ExAC 0.00020; TOPMed 0.00022; ESP Exome Variant Server 0.00023; gnomAD exomes 0.00024; gnomAD 0.00036.
gnomAD v4.1: 402 of 1,613,460 alleles (0.025%); highest among the groups gnomAD compares: Non-Finnish European, 0.03%; no homozygotes.

Submission:

PreventionGenetics, part of Exact Sciences
Classification: Likely benign for CLPTM1-related condition. Last evaluated: 2020-09-25. Review status: no assertion criteria provided. Collection method: clinical testing. Allele origin: germline.
Comment: This variant is classified as likely benign based on ACMG/AMP sequence variant interpretation guidelines (Richards et al. 2015 PMID: 25741868, with internal and published modifications).

NM_001294.4(CLPTM1):c.1724-6C>T

Gene: CLPTM1 (CLPTM1 regulator of GABA type A receptor forward trafficking; plus strand). Cytogenetic location: 19q13.32.
Variant type: single nucleotide variant.
Coding change: c.1724-6C>T on transcript NM_001294.4 (MANE Select); 6 bases into the intron before coding-DNA position 1724, C replaced by T.
Molecular consequence: intron variant.
Genome position (GRCh38, 1-based): chr19:44,992,605, C>T. VCF-style: chr19-44992605-C-T. GRCh37 (hg19) VCF-style: chr19-45495863-C-T.
Other names: c.1418-6C>T (NM_001282176.2); c.1682-6C>T (NM_001282175.2).
Identifiers: ClinVar variation 3035654 (VCV003035654.2), dbSNP rs202029911, ClinGen allele CA9507287.